The following is an entry in ClinVar:

NM_015275.3(WASHC4):c.3060+1G>C

Gene: WASHC4 (WASH complex subunit 4; plus strand). Cytogenetic location: 12q23.3.
Variant type: single nucleotide variant.
Coding change: c.3060+1G>C on transcript NM_015275.3 (MANE Select); the canonical splice donor site of the intron after coding-DNA position 3060, G replaced by C.
Molecular consequence: splice donor variant.
Genome position (GRCh38, 1-based): chr12:105,160,149, G>C. VCF-style: chr12-105160149-G-C. GRCh37 (hg19) VCF-style: chr12-105553927-G-C.
Other names: c.3063+1G>C (NM_001293640.2).
Identifiers: ClinVar variation 4882836 (VCV004882836.2).

ClinVar aggregate classification (germline): Uncertain significance (1 of 4 stars; one submission).

Submission:

Dasa
Classification: Uncertain significance. Last evaluated: 2026-01-20. Review status: criteria provided, single submitter. Criteria: DASA Assertion Criteria. Collection method: clinical testing. Allele origin: germline.
Comment: NM_015275.3(WASHC4):c.3060+1G>C affects a canonical splice site and is predicted to disrupt normal RNA splicing. This variant is rare in population databases. The currently available literature and clinical evidence are not sufficient to establish a definitive association between this variant and the reported condition. Therefore, this variant is classified as a variant of uncertain significance.